The following is an entry in ClinVar:

ClinVar aggregate classification (germline): Benign/Likely benign. Review status: criteria provided, multiple submitters, no conflicts (2 of 4 stars). 6 submissions from 6 submitters: Benign (5); Likely benign (1). Last evaluated 2026-01-27.

Conditions:
Multiple mitochondrial dysfunctions syndrome 1 (MMDS1). Identifiers: Orphanet 401869, MedGen C3276432, MONDO:0011582, OMIM 605711.

Allele frequency attached by ClinVar (database versions not stated): gnomAD exomes 0.00298; ExAC 0.00390; gnomAD 0.01252 and 0.01339; ESP Exome Variant Server 0.01307; TOPMed 0.01356; 1000 Genomes Project 0.01478; 1000 Genomes Project 30x 0.01702.
gnomAD v4.1: 3,632 of 1,611,086 alleles (0.23%); highest among the groups gnomAD compares: African/African-American, 4.4%; 78 homozygotes.

Submissions (6):

Labcorp Genetics (formerly Invitae), Labcorp
Classification: Benign for Multiple mitochondrial dysfunctions syndrome 1. Last evaluated: 2026-01-27. Review status: criteria provided, single submitter. Criteria: Invitae Variant Classification Sherloc (09022015). Collection method: clinical testing. Allele origin: germline.

Blueprint Genetics
Classification: Likely benign. Last evaluated: 2024-11-11. Review status: criteria provided, single submitter. Criteria: ACMG Guidelines, 2015. Collection method: clinical testing. Allele origin: germline.

Mayo Clinic Laboratories, Mayo Clinic
Classification: Benign. Last evaluated: 2020-01-08. Review status: criteria provided, single submitter. Criteria: ACMG Guidelines, 2015. Collection method: clinical testing. Allele origin: germline. Observed: 11 variant alleles.

Illumina Laboratory Services, Illumina
Classification: Benign for Multiple mitochondrial dysfunctions syndrome 1. Last evaluated: 2018-01-13. Review status: criteria provided, single submitter. Criteria: ICSL Variant Classification Criteria 13 December 2019. Collection method: clinical testing. Allele origin: germline.
Comment: This variant was observed in the ICSL laboratory as part of a predisposition screen in an ostensibly healthy population. It had not been previously curated by ICSL or reported in the Human Gene Mutation Database (HGMD: prior to June 1st, 2018), and was therefore a candidate for classification through an automated scoring system. Utilizing variant allele frequency, disease prevalence and penetrance estimates, and inheritance mode, an automated score was calculated to assess if this variant is too frequent to cause the disease. Based on the score and internal cut-off values, a variant classified as benign is not then subjected to further curation. The score for this variant resulted in a classification of benign for this disease.

GeneDx
Classification: Benign. Last evaluated: 2014-07-14. Review status: criteria provided, single submitter. Criteria: GeneDx Variant Classification (06012015). Collection method: clinical testing. Allele origin: germline. Affected: yes.
Comment: This variant is considered likely benign or benign based on one or more of the following criteria: it is a conservative change, it occurs at a poorly conserved position in the protein, it is predicted to be benign by multiple in silico algorithms, and/or has population frequency not consistent with disease.

Breakthrough Genomics
Classification: Benign. Review status: criteria provided, single submitter. Criteria: ACMG Guidelines, 2015. Collection method: not provided. Allele origin: germline. Inheritance: Autosomal recessive inheritance. Affected: yes.

NM_001002755.4(NFU1):c.151G>T (p.Ala51Ser)

Gene: NFU1 (NFU1 iron-sulfur cluster scaffold; minus strand). Cytogenetic location: 2p13.3.
Variant type: single nucleotide variant.
Coding change: c.151G>T on transcript NM_001002755.4 (MANE Select); coding-DNA position 151, G replaced by T.
Protein change: p.Ala51Ser; replaces alanine 51 with serine.
Molecular consequence: missense variant. On other transcripts: 5 prime UTR variant (1), non-coding transcript variant (2).
Genome position (GRCh38, 1-based): chr2:69,431,917, C>A on the plus strand (G>T on the coding strand, the complement: NFU1 is on the minus strand). VCF-style: chr2-69431917-C-A. GRCh37 (hg19) VCF-style: chr2-69659049-C-A.
Other names: p.A51S:GCC>TCC; p.Ala51Ser; c.151G>T (NM_001002755.3); c.-137G>T (NM_001002756.2); c.79G>T, p.Ala27Ser (NM_001374284.1, NM_015700.4); short protein forms A51S, A27S.
Identifiers: ClinVar variation 214868 (VCV000214868.18), dbSNP rs76646410, ClinGen allele CA320689.